The following is an entry in ClinVar:

NM_006662.3(SRCAP):c.875A>G (p.Gln292Arg)

Gene: SRCAP (Snf2 related CREBBP activator protein; plus strand). Cytogenetic location: 16p11.2.
Variant type: single nucleotide variant.
Coding change: c.875A>G on transcript NM_006662.3 (MANE Select); coding-DNA position 875, A replaced by G.
Protein change: p.Gln292Arg; replaces glutamine 292 with arginine.
Molecular consequence: missense variant.
Genome position (GRCh38, 1-based): chr16:30,709,869, A>G. VCF-style: chr16-30709869-A-G. GRCh37 (hg19) VCF-style: chr16-30721190-A-G.
Other names: short protein forms Q292R.
Identifiers: ClinVar variation 1406935 (VCV001406935.8), dbSNP rs1351738064, ClinGen allele CA395602303.

ClinVar aggregate classification (germline): Uncertain significance (1 of 4 stars; one submission).

Allele frequency attached by ClinVar (database versions not stated): gnomAD exomes below 0.00001.
gnomAD v4.1: 1 of 1,614,198 alleles (0.000062%); highest among the groups gnomAD compares: Admixed American, 0.0017%; no homozygotes.

Submission:

Labcorp Genetics (formerly Invitae), Labcorp
Classification: Uncertain significance. Last evaluated: 2025-04-21. Review status: criteria provided, single submitter. Criteria: Invitae Variant Classification Sherloc (09022015). Collection method: clinical testing. Allele origin: germline.
Comment: This sequence change replaces glutamine, which is neutral and polar, with arginine, which is basic and polar, at codon 292 of the SRCAP protein (p.Gln292Arg). This variant is present in population databases (no rsID available, gnomAD 0.003%). This variant has not been reported in the literature in individuals affected with SRCAP-related conditions. ClinVar contains an entry for this variant (Variation ID: 1406935). Invitae Evidence Modeling of protein sequence and biophysical properties (such as structural, functional, and spatial information, amino acid conservation, physicochemical variation, residue mobility, and thermodynamic stability) indicates that this missense variant is not expected to disrupt SRCAP protein function with a negative predictive value of 80%. In summary, the available evidence is currently insufficient to determine the role of this variant in disease. Therefore, it has been classified as a Variant of Uncertain Significance.